The following is an entry in ClinVar:

ClinVar aggregate classification (germline): Uncertain significance (1 of 4 stars; one submission).

Submission:

Labcorp Genetics (formerly Invitae), Labcorp
Classification: Uncertain significance. Last evaluated: 2024-12-02. Review status: criteria provided, single submitter. Criteria: Invitae Variant Classification Sherloc (09022015). Collection method: clinical testing. Allele origin: germline.
Comment: This sequence change replaces leucine, which is neutral and non-polar, with histidine, which is basic and polar, at codon 442 of the FAM161A protein (p.Leu442His). This variant is not present in population databases (gnomAD no frequency). This variant has not been reported in the literature in individuals affected with FAM161A-related conditions. ClinVar contains an entry for this variant (Variation ID: 1969001). Invitae Evidence Modeling of protein sequence and biophysical properties (such as structural, functional, and spatial information, amino acid conservation, physicochemical variation, residue mobility, and thermodynamic stability) indicates that this missense variant is not expected to disrupt FAM161A protein function with a negative predictive value of 80%. In summary, the available evidence is currently insufficient to determine the role of this variant in disease. Therefore, it has been classified as a Variant of Uncertain Significance.

NM_001201543.2(FAM161A):c.1325T>A (p.Leu442His)

Gene: FAM161A (FAM161 centrosomal protein A; minus strand). Cytogenetic location: 2p15.
Variant type: single nucleotide variant.
Coding change: c.1325T>A on transcript NM_001201543.2 (MANE Select); coding-DNA position 1325, T replaced by A.
Protein change: p.Leu442His; replaces leucine 442 with histidine.
Molecular consequence: missense variant. On other transcripts: non-coding transcript variant (1).
Genome position (GRCh38, 1-based): chr2:61,839,679, A>T on the plus strand (T>A on the coding strand, the complement: FAM161A is on the minus strand). VCF-style: chr2-61839679-A-T. GRCh37 (hg19) VCF-style: chr2-62066814-A-T.
Other names: c.1325T>A, p.Leu442His (NM_032180.3); short protein forms L442H.
Identifiers: ClinVar variation 1969001 (VCV001969001.5), dbSNP rs2466023605, ClinGen allele CA346986767.
Genomic context (GRCh38, chr2:61,839,679, plus strand): 5'-GATGCATGAAGATCAAATGGTTTACACACTGTTAAGAGTTTTGGAGACTTGTGTTCTGAG[A>T]GGTGTTTCTGGTATCTCTCAGGAAGGTCCTCAAAATCAGGAGTTGGGCACCTAACCTTGT-3'
Protein context (NP_001188472.1, residues 432-452): EDLPERYQKH[Leu442His]SEHKSPKLLT